The following is an entry in ClinVar:

ClinVar aggregate classification (germline): Uncertain significance. Review status: criteria provided, multiple submitters, no conflicts (2 of 4 stars). 2 submissions from 2 submitters: Uncertain significance (2). Last evaluated 2024-07-01.

gnomAD v4.1: 12 of 1,613,900 alleles (0.00074%); highest among the groups gnomAD compares: Admixed American, 0.0017%; no homozygotes.

Submissions (2):

Women's Health and Genetics/Laboratory Corporation of America, LabCorp
Classification: Uncertain significance. Last evaluated: 2024-07-01. Review status: criteria provided, single submitter. Criteria: LabCorp Variant Classification Summary - May 2015. Collection method: clinical testing. Allele origin: germline.
Comment: Variant summary: SLITRK1 c.577C>A (p.Pro193Thr) results in a non-conservative amino acid change in the encoded protein sequence. Four of five in-silico tools predict a damaging effect of the variant on protein function. The variant allele was found at a frequency of 2e-05 in 251468 control chromosomes. The available data on variant occurrences in the general population are insufficient to allow any conclusion about variant significance. To our knowledge, no occurrence of c.577C>A in individuals affected with Tourette Syndrome and no experimental evidence demonstrating its impact on protein function have been reported. No submitters have cited clinical-significance assessments for this variant to ClinVar. Based on the evidence outlined above, the variant was classified as uncertain significance.

Ambry Genetics
Classification: Uncertain significance. Last evaluated: 2024-05-08. Review status: criteria provided, single submitter. Criteria: Ambry Variant Classification Scheme 2023. Collection method: clinical testing. Allele origin: germline.

NM_001281503.2(SLITRK1):c.577C>A (p.Pro193Thr)

Gene: SLITRK1 (SLIT and NTRK like family member 1; minus strand). Cytogenetic location: 13q31.1.
Variant type: single nucleotide variant.
Coding change: c.577C>A on transcript NM_001281503.2 (MANE Select); coding-DNA position 577, C replaced by A.
Protein change: p.Pro193Thr; replaces proline 193 with threonine.
Molecular consequence: missense variant.
Genome position (GRCh38, 1-based): chr13:83,880,931, G>T on the plus strand (C>A on the coding strand, the complement: SLITRK1 is on the minus strand). VCF-style: chr13-83880931-G-T. GRCh37 (hg19) VCF-style: chr13-84455066-G-T.
Other names: c.577C>A, p.Pro193Thr (NM_052910.2); short protein forms P193T.
Identifiers: ClinVar variation 3320526 (VCV003320526.2).